The following is an entry in ClinVar:

ClinVar aggregate classification (germline): Uncertain significance (1 of 4 stars; one submission).

Submission:

GeneDx
Classification: Uncertain significance. Last evaluated: 2022-01-26. Review status: criteria provided, single submitter. Criteria: GeneDx Variant Classification Process June 2021. Collection method: clinical testing. Allele origin: germline. Affected: yes.
Comment: Has not been previously published as pathogenic or benign to our knowledge; Not observed at significant frequency in large population cohorts (gnomAD); In silico analysis supports that this missense variant does not alter protein structure/function

NM_006517.5(SLC16A2):c.1519A>G (p.Lys507Glu)

Gene: SLC16A2 (solute carrier family 16 member 2; plus strand). Cytogenetic location: Xq13.2.
Variant type: single nucleotide variant.
Coding change: c.1519A>G on transcript NM_006517.5 (MANE Select); coding-DNA position 1519, A replaced by G.
Protein change: p.Lys507Glu; replaces lysine 507 with glutamic acid.
Molecular consequence: missense variant.
Genome position (GRCh38, 1-based): chrX:74,531,452, A>G. VCF-style: chrX-74531452-A-G. GRCh37 (hg19) VCF-style: chrX-73751287-A-G.
Other names: short protein forms K507E.
Identifiers: ClinVar variation 1699733 (VCV001699733.2), dbSNP rs2147350883, ClinGen allele CA413659153.
Genomic context (GRCh38, chrX:74,531,452, plus strand): 5'-CCCATCATCGGGGCTGTAATCCTCTTCTTCGTCCCTCTGATGCATCAAAGGATGTTCAAG[A>G]AAGAGCAGAGAGATTCCAGCAAGGATAAGATGTTGGCCCCTGACCCAGACCCCAATGGGG-3'
Protein context (NP_006508.2, residues 497-517): VPLMHQRMFK[Lys507Glu]EQRDSSKDKM